The following is an entry in ClinVar:

NC_000002.11:g.(?_86067267)_(86332899_?)dup

Genes: POLR1A (RNA polymerase I subunit A; minus strand), ST3GAL5 (ST3 beta-galactoside alpha-2,3-sialyltransferase 5; minus strand). Cytogenetic location: 2p11.2.
Variant type: Duplication.
Identifiers: ClinVar variation 1410876 (VCV001410876.4).

ClinVar aggregate classification (germline): Uncertain significance (1 of 4 stars; one submission).

Conditions:
GM3 synthase deficiency (SPDRS). Also called: AMISH INFANTILE EPILEPSY SYNDROME; SALT AND PEPPER MENTAL RETARDATION SYNDROME; SALT AND PEPPER DEVELOPMENTAL REGRESSION SYNDROME. Identifiers: Orphanet 171714, Orphanet 370933, MedGen C1836824, MONDO:0018274, OMIM 609056.

Submission:

Labcorp Genetics (formerly Invitae), Labcorp
Classification: Uncertain significance for GM3 synthase deficiency. Last evaluated: 2022-08-16. Review status: criteria provided, single submitter. Criteria: Invitae Variant Classification Sherloc (09022015). Collection method: clinical testing. Allele origin: germline.
Comment: A copy number gain of the genomic region encompassing the full coding sequence of the ST3GAL5 gene has been identified. The boundaries of this event are unknown as they extend beyond the assayed region for this gene and therefore may encompass additional genes. As the precise location of this event is unknown, it may be in tandem or it may be located elsewhere in the genome. This variant has not been reported in the literature in individuals affected with ST3GAL5-related conditions. In summary, the available evidence is currently insufficient to determine the role of this variant in disease. Therefore, it has been classified as a Variant of Uncertain Significance.